The following is an entry in ClinVar:

NM_052813.5(CARD9):c.1383G>A (p.Pro461=)

Gene: CARD9 (caspase recruitment domain family member 9; minus strand). Cytogenetic location: 9q34.3.
Variant type: single nucleotide variant.
Coding change: c.1383G>A on transcript NM_052813.5 (MANE Select); coding-DNA position 1383, G replaced by A.
Protein change: p.Pro461=; no amino-acid change (proline 461 retained).
Molecular consequence: synonymous variant.
Genome position (GRCh38, 1-based): chr9:136,365,192, C>T on the plus strand (G>A on the coding strand, the complement: CARD9 is on the minus strand). VCF-style: chr9-136365192-C-T. GRCh37 (hg19) VCF-style: chr9-139259644-C-T.
Other names: c.1383G>A, p.Pro461= (NM_052814.4).
Identifiers: ClinVar variation 365833 (VCV000365833.41), dbSNP rs138344913, ClinGen allele CA5332652.

ClinVar aggregate classification (germline): Benign/Likely benign. Review status: criteria provided, multiple submitters, no conflicts (2 of 4 stars). 4 submissions from 4 submitters: Benign (1); Likely benign (3). Last evaluated 2026-02-01.

Conditions:
Predisposition to invasive fungal disease due to CARD9 deficiency (IMD103). Also called: IMMUNODEFICIENCY 103, SUSCEPTIBILITY TO FUNGAL INFECTIONS; Candidiasis, familial, 2, autosomal recessive; CARD9 IMMUNODEFICIENCY. Identifiers: Orphanet 457088, MedGen C1859353, MONDO:0008905, OMIM 212050.

Allele frequency attached by ClinVar (database versions not stated): 1000 Genomes Project 30x 0.00062; 1000 Genomes Project 0.00080; ESP Exome Variant Server 0.00238; TOPMed 0.00259.
gnomAD v4.1: 8,284 of 1,610,312 alleles (0.51%); highest among the groups gnomAD compares: Non-Finnish European, 0.49%; 64 homozygotes.

Submissions (4):

Labcorp Genetics (formerly Invitae), Labcorp
Classification: Benign for Predisposition to invasive fungal disease due to CARD9 deficiency. Last evaluated: 2026-02-01. Review status: criteria provided, single submitter. Criteria: Invitae Variant Classification Sherloc (09022015). Collection method: clinical testing. Allele origin: germline.

CeGaT Center for Human Genetics Tuebingen
Classification: Likely benign. Last evaluated: 2023-08-01. Review status: criteria provided, single submitter. Criteria: CeGaT Center For Human Genetics Tuebingen Variant Classification Criteria Version 2. Collection method: clinical testing. Allele origin: germline. Affected: yes. Observed: 2 variant alleles.
Comment: CARD9: BP4, BP7

Illumina Laboratory Services, Illumina
Classification: Likely benign for Predisposition to invasive fungal disease due to CARD9 deficiency. Last evaluated: 2018-01-12. Review status: criteria provided, single submitter. Criteria: ICSL Variant Classification Criteria 13 December 2019. Collection method: clinical testing. Allele origin: germline.
Comment: This variant was observed in the ICSL laboratory as part of a predisposition screen in an ostensibly healthy population. It had not been previously curated by ICSL or reported in the Human Gene Mutation Database (HGMD: prior to June 1st, 2018), and was therefore a candidate for classification through an automated scoring system. Utilizing variant allele frequency, disease prevalence and penetrance estimates, and inheritance mode, an automated score was calculated to assess if this variant is too frequent to cause the disease. Based on the score and internal cut-off values, a variant classified as likely benign is not then subjected to further curation. The score for this variant resulted in a classification of likely benign for this disease.

Breakthrough Genomics
Classification: Likely benign. Review status: criteria provided, single submitter. Criteria: ACMG Guidelines, 2015. Collection method: not provided. Allele origin: germline. Inheritance: Autosomal recessive inheritance. Affected: yes.